The following is an entry in ClinVar:

NM_015426.5(POC1A):c.1222T>C (p.Ter408Arg)

Gene: POC1A (POC1 centriolar protein A; minus strand). Cytogenetic location: 3p21.2.
Variant type: single nucleotide variant.
Coding change: c.1222T>C on transcript NM_015426.5 (MANE Select); coding-DNA position 1222, T replaced by C.
Protein change: p.Ter408Arg.
Molecular consequence: stop lost.
Genome position (GRCh38, 1-based): chr3:52,075,889, A>G on the plus strand (T>C on the coding strand, the complement: POC1A is on the minus strand). VCF-style: chr3-52075889-A-G. GRCh37 (hg19) VCF-style: chr3-52109905-A-G.
Other names: c.1078T>C, p.Ter360Arg (NM_001161580.2); c.1108T>C, p.Ter370Arg (NM_001161581.2).
Identifiers: ClinVar variation 2090055 (VCV002090055.4), dbSNP rs1359953293, ClinGen allele CA353042803.

ClinVar aggregate classification (germline): Uncertain significance (1 of 4 stars; one submission).

Submission:

Labcorp Genetics (formerly Invitae), Labcorp
Classification: Uncertain significance. Last evaluated: 2022-10-04. Review status: criteria provided, single submitter. Criteria: Invitae Variant Classification Sherloc (09022015). Collection method: clinical testing. Allele origin: germline.
Comment: In summary, the available evidence is currently insufficient to determine the role of this variant in disease. Therefore, it has been classified as a Variant of Uncertain Significance. This variant has not been reported in the literature in individuals affected with POC1A-related conditions. This sequence change disrupts the translational stop signal of the POC1A mRNA. It is expected to extend the length of the POC1A protein by 30 additional amino acid residues. This variant is not present in population databases (gnomAD no frequency).